The following is an entry in ClinVar:

NM_001267550.2(TTN):c.16342+5G>C

Gene: TTN (titin; minus strand). Cytogenetic location: 2q31.2.
Variant type: single nucleotide variant.
Coding change: c.16342+5G>C on transcript NM_001267550.2 (MANE Select); 5 bases into the intron after coding-DNA position 16342, G replaced by C.
Molecular consequence: intron variant.
Genome position (GRCh38, 1-based): chr2:178,732,829, C>G on the plus strand (G>C on the coding strand, the complement: TTN is on the minus strand). VCF-style: chr2-178732829-C-G. GRCh37 (hg19) VCF-style: chr2-179597556-C-G.
Other names: c.13282+5253G>C (NM_003319.4); c.13858+5253G>C (NM_133437.4); c.13657+5253G>C (NM_133432.3); c.12610+5G>C (NM_133378.4); c.15391+5G>C (NM_001256850.1).
Identifiers: ClinVar variation 1384245 (VCV001384245.7), dbSNP rs950440116, ClinGen allele CA60979852.

ClinVar aggregate classification (germline): Uncertain significance. Review status: criteria provided, multiple submitters, no conflicts (2 of 4 stars). 2 submissions from 2 submitters: Uncertain significance (2). Last evaluated 2023-03-28.

Conditions:
Autosomal recessive limb-girdle muscular dystrophy type 2J (LGMDR10). Also called: Limb-girdle muscular dystrophy, type 2J; MUSCULAR DYSTROPHY, LIMB-GIRDLE, AUTOSOMAL RECESSIVE 10. Identifiers: Orphanet 140922, MedGen C1837342, MONDO:0012127, OMIM 608807.
Dilated cardiomyopathy 1G (CMD1G). Identifiers: Orphanet 154, MedGen C1858763, MONDO:0011400, OMIM 604145.

Allele frequency attached by ClinVar (database versions not stated): gnomAD exomes below 0.00001.
gnomAD v4.1: 1 of 1,602,568 alleles (0.000062%); highest among the groups gnomAD compares: Middle Eastern, 0.017%; no homozygotes.

Submissions (2):

Blueprint Genetics
Classification: Uncertain significance. Last evaluated: 2023-03-28. Review status: criteria provided, single submitter. Criteria: ACMG Guidelines, 2015. Collection method: clinical testing. Allele origin: germline.

Labcorp Genetics (formerly Invitae), Labcorp
Classification: Uncertain significance for Dilated cardiomyopathy 1G; Autosomal recessive limb-girdle muscular dystrophy type 2J. Last evaluated: 2021-10-06. Review status: criteria provided, single submitter. Criteria: Invitae Variant Classification Sherloc (09022015). Collection method: clinical testing. Allele origin: germline.
Comment: In summary, the available evidence is currently insufficient to determine the role of this variant in disease. Therefore, it has been classified as a Variant of Uncertain Significance. This variant is located in the I band of TTN (PMID: 25589632). Variants in this region may be clinically relevant, but have not been definitively shown to cause cardiomyopathy or neuromuscular disease (PMID: 27493940, 32778822). Variants that disrupt the consensus splice site are a relatively common cause of aberrant splicing (PMID: 17576681, 9536098). Algorithms developed to predict the effect of sequence changes on RNA splicing suggest that this variant may disrupt the consensus splice site. This variant has not been reported in the literature in individuals affected with TTN-related conditions. This variant is not present in population databases (ExAC no frequency). This sequence change falls in intron 55 of the TTN gene. It does not directly change the encoded amino acid sequence of the TTN protein. It affects a nucleotide within the consensus splice site of the intron.

Literature cited by the submitters: PubMed 25589632 (cited by Labcorp Genetics (formerly Invitae), Labcorp); PubMed 27493940 (cited by Labcorp Genetics (formerly Invitae), Labcorp); PubMed 32778822 (cited by Labcorp Genetics (formerly Invitae), Labcorp); PubMed 17576681 (cited by Labcorp Genetics (formerly Invitae), Labcorp); PubMed 9536098 (cited by Labcorp Genetics (formerly Invitae), Labcorp).